The following is an entry in ClinVar:

ClinVar aggregate classification (germline): Uncertain significance. Review status: criteria provided, multiple submitters, no conflicts (2 of 4 stars). 3 submissions from 3 submitters: Uncertain significance (3). Last evaluated 2025-03-01.

Conditions:
Colorectal cancer. Also called: Colorectal cancer, somatic; Malignant Colorectal Neoplasm. Identifiers: MedGen C0346629, MONDO:0005575, OMIM 114500.

Allele frequency attached by ClinVar (database versions not stated): gnomAD 0.00003; ExAC 0.00005; TOPMed 0.00006; ESP Exome Variant Server 0.00008.
gnomAD v4.1: 32 of 1,613,918 alleles (0.002%); highest among the groups gnomAD compares: Admixed American, 0.0033%; no homozygotes.

Submissions (3):

Ambry Genetics
Classification: Uncertain significance. Last evaluated: 2025-03-01. Review status: criteria provided, single submitter. Criteria: Ambry Variant Classification Scheme 2023. Collection method: clinical testing. Allele origin: germline.

Fulgent Genetics
Classification: Uncertain significance for Colorectal cancer. Last evaluated: 2024-06-13. Review status: criteria provided, single submitter. Criteria: ACMG Guidelines, 2015. Collection method: clinical testing. Allele origin: germline.

Labcorp Genetics (formerly Invitae), Labcorp
Classification: Uncertain significance. Last evaluated: 2024-06-03. Review status: criteria provided, single submitter. Criteria: Invitae Variant Classification Sherloc (09022015). Collection method: clinical testing. Allele origin: germline.
Comment: This sequence change replaces arginine, which is basic and polar, with histidine, which is basic and polar, at codon 54 of the DLC1 protein (p.Arg54His). This variant is present in population databases (rs372504089, gnomAD 0.006%). This variant has not been reported in the literature in individuals affected with DLC1-related conditions. ClinVar contains an entry for this variant (Variation ID: 1981353). Algorithms developed to predict the effect of missense changes on protein structure and function output the following: SIFT: "Not Available"; PolyPhen-2: "Benign"; Align-GVGD: "Not Available". The histidine amino acid residue is found in multiple mammalian species, which suggests that this missense change does not adversely affect protein function. In summary, the available evidence is currently insufficient to determine the role of this variant in disease. Therefore, it has been classified as a Variant of Uncertain Significance.

NM_182643.3(DLC1):c.161G>A (p.Arg54His)

Gene: DLC1 (DLC1 Rho GTPase activating protein; minus strand). Cytogenetic location: 8p22.
Variant type: single nucleotide variant.
Coding change: c.161G>A on transcript NM_182643.3 (MANE Select); coding-DNA position 161, G replaced by A.
Protein change: p.Arg54His; replaces arginine 54 with histidine.
Molecular consequence: missense variant. On other transcripts: 5 prime UTR variant (1).
Genome position (GRCh38, 1-based): chr8:13,499,911, C>T on the plus strand (G>A on the coding strand, the complement: DLC1 is on the minus strand). VCF-style: chr8-13499911-C-T. GRCh37 (hg19) VCF-style: chr8-13357420-C-T.
Other names: c.161G>A, p.Arg54His (NM_001348081.2, NM_001413124.1, NM_001413125.1 and 1 more transcripts); c.-1291G>A (NM_001348082.2); short protein forms R54H.
Identifiers: ClinVar variation 1981353 (VCV001981353.7), dbSNP rs372504089, ClinGen allele CA4639571.